The following is an entry in ClinVar:

NM_024580.6(EFL1):c.1258G>A (p.Val420Ile)

Gene: EFL1 (elongation factor like GTPase 1; minus strand). Cytogenetic location: 15q25.2.
Variant type: single nucleotide variant.
Coding change: c.1258G>A on transcript NM_024580.6 (MANE Select); coding-DNA position 1258, G replaced by A.
Protein change: p.Val420Ile; replaces valine 420 with isoleucine.
Molecular consequence: missense variant. On other transcripts: non-coding transcript variant (1).
Genome position (GRCh38, 1-based): chr15:82,225,199, C>T on the plus strand (G>A on the coding strand, the complement: EFL1 is on the minus strand). VCF-style: chr15-82225199-C-T. GRCh37 (hg19) VCF-style: chr15-82517540-C-T.
Other names: p.Val420Ile; c.1105G>A, p.Val369Ile (NM_001040610.3); c.469G>A, p.Val157Ile (NM_001322844.2); c.1258G>A, p.Val420Ile (NM_001322845.2); short protein forms V369I, V157I, V420I.
Identifiers: ClinVar variation 1370806 (VCV001370806.7), dbSNP rs774444383, ClinGen allele CA7698040.

ClinVar aggregate classification (germline): Uncertain significance. Review status: criteria provided, multiple submitters, no conflicts (2 of 4 stars). 2 submissions from 2 submitters: Uncertain significance (2). Last evaluated 2024-01-19.

Allele frequency attached by ClinVar (database versions not stated): gnomAD 0.00001 and 0.00002; TOPMed 0.00010.
gnomAD v4.1: 58 of 1,612,004 alleles (0.0036%); highest among the groups gnomAD compares: Admixed American, 0.052%; no homozygotes.

Submissions (2):

Labcorp Genetics (formerly Invitae), Labcorp
Classification: Uncertain significance. Last evaluated: 2024-01-19. Review status: criteria provided, single submitter. Criteria: Invitae Variant Classification Sherloc (09022015). Collection method: clinical testing. Allele origin: germline.
Comment: This sequence change replaces valine, which is neutral and non-polar, with isoleucine, which is neutral and non-polar, at codon 420 of the EFL1 protein (p.Val420Ile). This variant is present in population databases (rs774444383, gnomAD 0.09%). This variant has not been reported in the literature in individuals affected with EFL1-related conditions. ClinVar contains an entry for this variant (Variation ID: 1370806). Advanced modeling of protein sequence and biophysical properties (such as structural, functional, and spatial information, amino acid conservation, physicochemical variation, residue mobility, and thermodynamic stability) performed at Invitae indicates that this missense variant is not expected to disrupt EFL1 protein function with a negative predictive value of 80%. In summary, the available evidence is currently insufficient to determine the role of this variant in disease. Therefore, it has been classified as a Variant of Uncertain Significance.

Mayo Clinic Laboratories, Mayo Clinic
Classification: Uncertain significance. Last evaluated: 2023-10-11. Review status: criteria provided, single submitter. Criteria: ACMG Guidelines, 2015. Collection method: clinical testing. Allele origin: germline. Observed: 1 variant allele.